The following is an entry in ClinVar:

ClinVar aggregate classification (germline): Uncertain significance. Review status: criteria provided, multiple submitters, no conflicts (2 of 4 stars). 4 submissions from 4 submitters: Uncertain significance (4). Last evaluated 2025-07-27.

Conditions:
Hereditary cancer-predisposing syndrome. Also called: Tumor predisposition; Hereditary Cancer Syndrome; Hereditary neoplastic syndrome; Neoplastic Syndromes, Hereditary. Identifiers: Orphanet 140162, MedGen C0027672, MeSH D009386, MONDO:0015356.
Hereditary breast ovarian cancer syndrome. Also called: Breast and ovarian cancer; Hereditary breast and ovarian cancer; Hereditary breast and/or ovarian cancer syndrome; BRCA1- and BRCA2-Associated Hereditary Breast and Ovarian Cancer; Hereditary breast and ovarian cancer syndrome (HBOC); Hereditary breast and ovarian cancer syndrome. Identifiers: Orphanet 145, MedGen C0677776, MeSH D061325, MONDO:0003582. Disease mechanism: loss of function.

Allele frequency attached by ClinVar (database versions not stated): gnomAD exomes below 0.00001.

Submissions (4):

Labcorp Genetics (formerly Invitae), Labcorp
Classification: Uncertain significance for Hereditary breast ovarian cancer syndrome. Last evaluated: 2025-07-27. Review status: criteria provided, single submitter. Criteria: Invitae Variant Classification Sherloc (09022015). Collection method: clinical testing. Allele origin: germline.
Comment: This sequence change replaces proline, which is neutral and non-polar, with serine, which is neutral and polar, at codon 209 of the BRCA1 protein (p.Pro209Ser). This variant is not present in population databases (gnomAD no frequency). This variant has not been reported in the literature in individuals affected with BRCA1-related conditions. ClinVar contains an entry for this variant (Variation ID: 182125). Invitae Evidence Modeling of protein sequence and biophysical properties (such as structural, functional, and spatial information, amino acid conservation, physicochemical variation, residue mobility, and thermodynamic stability) indicates that this missense variant is not expected to disrupt BRCA1 protein function with a negative predictive value of 80%. In summary, the available evidence is currently insufficient to determine the role of this variant in disease. Therefore, it has been classified as a Variant of Uncertain Significance.

Ambry Genetics
Classification: Uncertain significance for Hereditary cancer-predisposing syndrome. Last evaluated: 2023-11-22. Review status: criteria provided, single submitter. Criteria: Ambry Variant Classification Scheme 2023. Collection method: clinical testing. Allele origin: germline.
Comment: The p.P209S variant (also known as c.625C>T), located in coding exon 8 of the BRCA1 gene, results from a C to T substitution at nucleotide position 625. The proline at codon 209 is replaced by serine, an amino acid with similar properties. This amino acid position is not well conserved in available vertebrate species. In addition, the in silico prediction for this alteration is inconclusive. Since supporting evidence is limited at this time, the clinical significance of this alteration remains unclear.

Color Diagnostics, LLC DBA Color Health
Classification: Uncertain significance for Hereditary cancer-predisposing syndrome. Last evaluated: 2020-02-19. Review status: criteria provided, single submitter. Criteria: ACMG Guidelines, 2015. Collection method: clinical testing. Allele origin: germline.
Comment: This missense variant replaces proline with serine at codon 209 of the BRCA1 protein. Computational prediction is inconclusive regarding the impact of this variant on protein structure and function (internally defined REVEL score threshold 0.5 < inconclusive < 0.7, PMID: 27666373). Splice site prediction tools suggest that this variant may not impact RNA splicing. To our knowledge, functional studies have not been performed for this variant. This variant has not been reported in individuals affected with hereditary cancer in the literature. This variant has not been identified in the general population by the Genome Aggregation Database (gnomAD). The available evidence is insufficient to determine the role of this variant in disease conclusively. Therefore, this variant is classified as a Variant of Uncertain Significance.

GeneDx
Classification: Uncertain significance. Last evaluated: 2016-04-06. Review status: criteria provided, single submitter. Criteria: GeneDx Variant Classification (06012015). Collection method: clinical testing. Allele origin: germline. Affected: yes.
Comment: This variant is denoted BRCA1 c.625C>T at the cDNA level, p.Pro209Ser (P209S) at the protein level, and results in the change of a Proline to a Serine (CCT>TCT). Using alternate nomenclature, this variant would be defined as BRCA1 744C>T. This variant has not, to our knowledge, been published in the literature as pathogenic or benign. BRCA1 Pro209Ser was not observed in approximately 6,500 individuals of European and African American ancestry in the NHLBI Exome Sequencing Project, suggesting it is not a common benign variant in these populations. Since Proline and Serine differ in polarity, charge, size or other properties, this is considered a non-conservative amino acid substitution. BRCA1 Pro209Ser occurs at a position that is not conserved and is located in a region known to interact with multiple proteins (Paul 2014). In silico analyses are inconsistent regarding the effect this variant may have on protein structure and function. Based on currently available evidence, it is unclear whether BRCA1 Pro209Ser is a pathogenic or benign variant. We consider it to be a variant of uncertain significance.

NM_007294.4(BRCA1):c.625C>T (p.Pro209Ser)

Gene: BRCA1 (BRCA1 DNA repair associated; minus strand). Cytogenetic location: 17q21.31.
Variant type: single nucleotide variant.
Coding change: c.625C>T on transcript NM_007294.4 (MANE Select); coding-DNA position 625, C replaced by T.
Protein change: p.Pro209Ser; replaces proline 209 with serine.
Molecular consequence: missense variant. On other transcripts: non-coding transcript variant (1).
Genome position (GRCh38, 1-based): chr17:43,095,891, G>A on the plus strand (C>T on the coding strand, the complement: BRCA1 is on the minus strand). VCF-style: chr17-43095891-G-A. GRCh37 (hg19) VCF-style: chr17-41247908-G-A.
Other names: p.P209S:CCT>TCT; c.412C>T, p.Pro138Ser (NM_001407571.1, NM_001407895.1, NM_001407894.1 and 12 more transcripts); c.625C>T, p.Pro209Ser (NM_001407581.1, NM_001407583.1, NM_001407585.1 and 59 more transcripts); c.415C>T, p.Pro139Ser (NM_001407882.1, NM_001407885.1, NM_001407884.1 and 27 more transcripts); c.622C>T, p.Pro208Ser (NM_001407590.1, NM_001407587.1, NM_001407591.1 and 41 more transcripts); c.616C>T, p.Pro206Ser (NM_001407646.1, NM_001407647.1, NM_001408408.1); c.547C>T, p.Pro183Ser (NM_001407653.1, NM_001407654.1, NM_001407655.1 and 9 more transcripts); c.544C>T, p.Pro182Ser (NM_001407659.1, NM_001407660.1, NM_001407661.1 and 3 more transcripts); and 5 more; short protein forms P209S, P162S, P138S, P161S, P183S, P82S, P164S, P182S.
Identifiers: ClinVar variation 182125 (VCV000182125.14), dbSNP rs730881466, ClinGen allele CA003767.